The following is an entry in ClinVar:

NM_001001563.5(TIMM50):c.11C>T (p.Ser4Leu)

Gene: TIMM50 (translocase of inner mitochondrial membrane 50; plus strand). Cytogenetic location: 19q13.2.
Variant type: single nucleotide variant.
Coding change: c.11C>T on transcript NM_001001563.5 (MANE Select); coding-DNA position 11, C replaced by T.
Protein change: p.Ser4Leu; replaces serine 4 with leucine.
Molecular consequence: missense variant. On other transcripts: 5 prime UTR variant (1).
Genome position (GRCh38, 1-based): chr19:39,480,864, C>T. VCF-style: chr19-39480864-C-T. GRCh37 (hg19) VCF-style: chr19-39971504-C-T.
Other names: c.-270C>T (NM_001329559.2); short protein forms S4L.
Identifiers: ClinVar variation 1519006 (VCV001519006.5), dbSNP rs760407976, ClinGen allele CA9431628.
Genomic context (GRCh38, chr19:39,480,864, plus strand): 5'-GGCGGGCGAAGAGGGAGCGAGTGGGCGGGGCCGCGTGGCGTCAGCGCAAGATGGCGGCCT[C>T]GGCAGCGGTGTTCTCGCGCTTGCGAAGCGGGCTCCGGCTCGGCTCGCGGGGACTGTGCAC-3'
Protein context (NP_001001563.2, residues 1-14): MAA[Ser4Leu]AAVFSRLRSG

ClinVar aggregate classification (germline): Uncertain significance (1 of 4 stars; one submission).

Allele frequency attached by ClinVar (database versions not stated): gnomAD exomes 0.00002; TOPMed 0.00002; gnomAD 0.00003 and 0.00004; ExAC 0.00005.

Submission:

Labcorp Genetics (formerly Invitae), Labcorp
Classification: Uncertain significance. Last evaluated: 2022-04-10. Review status: criteria provided, single submitter. Criteria: Invitae Variant Classification Sherloc (09022015). Collection method: clinical testing. Allele origin: germline.
Comment: This sequence change replaces serine, which is neutral and polar, with leucine, which is neutral and non-polar, at codon 107 of the TIMM50 protein (p.Ser107Leu). The frequency data for this variant in the population databases is considered unreliable, as metrics indicate poor data quality at this position in the gnomAD database. This variant has not been reported in the literature in individuals affected with TIMM50-related conditions. Algorithms developed to predict the effect of missense changes on protein structure and function are either unavailable or do not agree on the potential impact of this missense change (SIFT: "Not Available"; PolyPhen-2: "Probably Damaging"; Align-GVGD: "Not Available"). In summary, the available evidence is currently insufficient to determine the role of this variant in disease. Therefore, it has been classified as a Variant of Uncertain Significance.